The following is an entry in ClinVar:

NM_000350.3(ABCA4):c.5646G>C (p.Met1882Ile)

Gene: ABCA4 (ATP binding cassette subfamily A member 4; minus strand). Cytogenetic location: 1p22.1.
Variant type: single nucleotide variant.
Coding change: c.5646G>C on transcript NM_000350.3 (MANE Select); coding-DNA position 5646, G replaced by C.
Protein change: p.Met1882Ile; replaces methionine 1882 with isoleucine.
Molecular consequence: missense variant.
Genome position (GRCh38, 1-based): chr1:94,010,868, C>G on the plus strand (G>C on the coding strand, the complement: ABCA4 is on the minus strand). VCF-style: chr1-94010868-C-G. GRCh37 (hg19) VCF-style: chr1-94476424-C-G.
Other names: c.5424G>C, p.Met1808Ile (NM_001425324.1); short protein forms M1808I, M1882I.
Identifiers: ClinVar variation 2749739 (VCV002749739.3), dbSNP rs752160946, ClinGen allele CA957184.

ClinVar aggregate classification (germline): Pathogenic (1 of 4 stars; one submission).

Submission:

Labcorp Genetics (formerly Invitae), Labcorp
Classification: Pathogenic. Last evaluated: 2023-08-16. Review status: criteria provided, single submitter. Criteria: Invitae Variant Classification Sherloc (09022015). Collection method: clinical testing. Allele origin: germline.
Comment: For these reasons, this variant has been classified as Pathogenic. Advanced modeling of protein sequence and biophysical properties (such as structural, functional, and spatial information, amino acid conservation, physicochemical variation, residue mobility, and thermodynamic stability) performed at Invitae indicates that this missense variant is expected to disrupt ABCA4 protein function. This missense change has been observed in individual(s) with retinitis pigmentosa and/or Stargardt disease (PMID: 28050124, 31872526). In at least one individual the data is consistent with being in trans (on the opposite chromosome) from a pathogenic variant. It has also been observed to segregate with disease in related individuals. This variant is present in population databases (rs752160946, gnomAD 0.003%). This sequence change replaces methionine, which is neutral and non-polar, with isoleucine, which is neutral and non-polar, at codon 1882 of the ABCA4 protein (p.Met1882Ile).

Literature cited by the submitters: PubMed 28050124; PubMed 31872526.